The following is an entry in ClinVar:

NM_001267550.2(TTN):c.106312A>G (p.Lys35438Glu)

Genes: TTN-AS1 (TTN antisense RNA 1; plus strand), TTN (titin; minus strand). Cytogenetic location: 2q31.2.
Variant type: single nucleotide variant.
Coding change: c.106312A>G on transcript NM_001267550.2 (MANE Select); coding-DNA position 106312, A replaced by G.
Protein change: p.Lys35438Glu; replaces lysine 35438 with glutamic acid.
Molecular consequence: missense variant.
Genome position (GRCh38, 1-based): chr2:178,530,303, T>C on the plus strand (A>G on the coding strand, the complement: TTN is on the minus strand). VCF-style: chr2-178530303-T-C. GRCh37 (hg19) VCF-style: chr2-179395030-T-C.
Other names: c.101389A>G, p.Lys33797Glu (NM_001256850.1); c.79117A>G, p.Lys26373Glu (NM_003319.4); c.98608A>G, p.Lys32870Glu (NM_133378.4); c.79492A>G, p.Lys26498Glu (NM_133432.3); c.79693A>G, p.Lys26565Glu (NM_133437.4); short protein forms K26373E, K26498E, K26565E, K32870E, K33797E, K35438E.
Identifiers: ClinVar variation 1053778 (VCV001053778.5), dbSNP rs755067124, ClinGen allele CA1985129.
Genomic context (GRCh38, chr2:178,530,303, plus strand): 5'-TTCCATCTTTTGTCCAGATGGCAGTTGGCCGGGGTTCTCCAGTAGCCTTAACTGCAAATT[T>C]AGCAACACTGTCTGAAGAAACAGTTGTATCCTGCAACCCAGTAACAATTACTGGTTTTGA-3'
Protein context (NP_001254479.2, residues 35428-35448): DTTVSSDSVA[Lys35438Glu]FAVKATGEPR

ClinVar aggregate classification (germline): Uncertain significance (1 of 4 stars; one submission).

Conditions:
Dilated cardiomyopathy 1G (CMD1G). Identifiers: Orphanet 154, MedGen C1858763, MONDO:0011400, OMIM 604145.
Autosomal recessive limb-girdle muscular dystrophy type 2J (LGMDR10). Also called: Limb-girdle muscular dystrophy, type 2J; MUSCULAR DYSTROPHY, LIMB-GIRDLE, AUTOSOMAL RECESSIVE 10. Identifiers: Orphanet 140922, MedGen C1837342, MONDO:0012127, OMIM 608807.

Allele frequency attached by ClinVar (database versions not stated): ExAC 0.00001; gnomAD 0.00001; gnomAD exomes below 0.00001 and 0.00001; TOPMed 0.00002.
gnomAD v4.1: 5 of 1,613,574 alleles (0.00031%); highest among the groups gnomAD compares: African/African-American, 0.004%; no homozygotes.

Submission:

Labcorp Genetics (formerly Invitae), Labcorp
Classification: Uncertain significance for Dilated cardiomyopathy 1G; Autosomal recessive limb-girdle muscular dystrophy type 2J. Last evaluated: 2025-12-20. Review status: criteria provided, single submitter. Criteria: Invitae Variant Classification Sherloc (09022015). Collection method: clinical testing. Allele origin: germline.
Comment: This sequence change replaces lysine, which is basic and polar, with glutamic acid, which is acidic and polar, at codon 35438 of the TTN protein (p.Lys35438Glu). This variant is present in population databases (rs755067124, gnomAD 0.007%). This variant has not been reported in the literature in individuals affected with TTN-related conditions. ClinVar contains an entry for this variant (Variation ID: 1053778). Experimental studies and prediction algorithms are not available or were not evaluated, and the functional significance of this variant is currently unknown. This variant is located in the M band of TTN (PMID: 25589632). Non-truncating variants in this region may be relevant for neuromuscular disorders, but have not been definitively shown to cause cardiomyopathy (PMID: 23975875). In summary, the available evidence is currently insufficient to determine the role of this variant in disease. Therefore, it has been classified as a Variant of Uncertain Significance.

Literature cited by the submitters: PubMed 25589632; PubMed 23975875.